The following is an entry in ClinVar:

ClinVar aggregate classification (germline): Uncertain significance. Review status: criteria provided, multiple submitters, no conflicts (2 of 4 stars). 3 submissions from 3 submitters: Uncertain significance (3). Last evaluated 2024-03-27.

Conditions:
DICER1-related tumor predisposition. Also called: DICER1 syndrome; DICER1-related pleuropulmonary blastoma cancer predisposition syndrome. Identifiers: Orphanet 284343, MedGen C3839822, MONDO:0100216.
Hereditary cancer-predisposing syndrome. Also called: Neoplastic Syndromes, Hereditary; Tumor predisposition; Hereditary Cancer Syndrome; Hereditary neoplastic syndrome. Identifiers: Orphanet 140162, MedGen C0027672, MeSH D009386, MONDO:0015356.
Global developmental delay - lung cysts - overgrowth - Wilms tumor syndrome. Also called: GLOW Syndrome; GLOBAL DEVELOPMENTAL DELAY, LUNG CYSTS, OVERGROWTH, AND WILMS TUMOR. Identifiers: Orphanet 404476, MedGen C4748924, MONDO:0018445, OMIM 618272.

Allele frequency attached by ClinVar (database versions not stated): gnomAD exomes below 0.00001.
gnomAD v4.1: 1 of 1,613,036 alleles (0.000062%); highest among the groups gnomAD compares: East Asian, 0.0022%; no homozygotes.

Submissions (3):

Baylor Genetics
Classification: Uncertain significance for Global developmental delay - lung cysts - overgrowth - Wilms tumor syndrome. Last evaluated: 2024-03-27. Review status: criteria provided, single submitter. Criteria: ACMG Guidelines, 2015. Collection method: clinical testing. Allele origin: unknown.

Ambry Genetics
Classification: Uncertain significance for Hereditary cancer-predisposing syndrome. Last evaluated: 2023-02-21. Review status: criteria provided, single submitter. Criteria: Ambry Variant Classification Scheme 2023. Collection method: clinical testing. Allele origin: germline.
Comment: The p.H1449R variant (also known as c.4346A>G), located in coding exon 22 of the DICER1 gene, results from an A to G substitution at nucleotide position 4346. The histidine at codon 1449 is replaced by arginine, an amino acid with highly similar properties. This amino acid position is highly conserved in available vertebrate species. In addition, this alteration is predicted to be deleterious by in silico analysis. Since supporting evidence is limited at this time, the clinical significance of this alteration remains unclear.

Labcorp Genetics (formerly Invitae), Labcorp
Classification: Uncertain significance for DICER1-related tumor predisposition. Last evaluated: 2023-01-13. Review status: criteria provided, single submitter. Criteria: Invitae Variant Classification Sherloc (09022015). Collection method: clinical testing. Allele origin: germline.
Comment: ClinVar contains an entry for this variant (Variation ID: 1739886). This variant has not been reported in the literature in individuals affected with DICER1-related conditions. This variant is not present in population databases (gnomAD no frequency). This sequence change replaces histidine, which is basic and polar, with arginine, which is basic and polar, at codon 1449 of the DICER1 protein (p.His1449Arg). Algorithms developed to predict the effect of missense changes on protein structure and function are either unavailable or do not agree on the potential impact of this missense change (SIFT: "Deleterious"; PolyPhen-2: "Probably Damaging"; Align-GVGD: "Class C0"). In summary, the available evidence is currently insufficient to determine the role of this variant in disease. Therefore, it has been classified as a Variant of Uncertain Significance.

NM_177438.3(DICER1):c.4346A>G (p.His1449Arg)

Gene: DICER1 (dicer 1, ribonuclease III; minus strand). Cytogenetic location: 14q32.13.
Variant type: single nucleotide variant.
Coding change: c.4346A>G on transcript NM_177438.3 (MANE Select); coding-DNA position 4346, A replaced by G.
Protein change: p.His1449Arg; replaces histidine 1449 with arginine.
Molecular consequence: missense variant. On other transcripts: non-coding transcript variant (6).
Genome position (GRCh38, 1-based): chr14:95,096,574, T>C on the plus strand (A>G on the coding strand, the complement: DICER1 is on the minus strand). VCF-style: chr14-95096574-T-C. GRCh37 (hg19) VCF-style: chr14-95562911-T-C.
Other names: c.4346A>G, p.His1449Arg (NM_001195573.1, NM_001271282.3, NM_001291628.2 and 13 more transcripts); c.4064A>G, p.His1355Arg (NM_001395686.1); c.3941A>G, p.His1314Arg (NM_001395687.1, NM_001395688.1, NM_001395689.1 and 2 more transcripts); c.3779A>G, p.His1260Arg (NM_001395691.1); c.2663A>G, p.His888Arg (NM_001395697.1); short protein forms H1355R, H888R, H1260R, H1314R, H1449R.
Identifiers: ClinVar variation 1739886 (VCV001739886.7), dbSNP rs2542508389, ClinGen allele CA390869203.